The following is an entry in ClinVar:

NM_000368.5(TSC1):c.1005A>G (p.Thr335=)

Gene: TSC1 (TSC complex subunit 1; minus strand). Cytogenetic location: 9q34.13.
Variant type: single nucleotide variant.
Coding change: c.1005A>G on transcript NM_000368.5 (MANE Select); coding-DNA position 1005, A replaced by G.
Protein change: p.Thr335=; no amino-acid change (threonine 335 retained).
Molecular consequence: synonymous variant.
Genome position (GRCh38, 1-based): chr9:132,911,477, T>C on the plus strand (A>G on the coding strand, the complement: TSC1 is on the minus strand). VCF-style: chr9-132911477-T-C. GRCh37 (hg19) VCF-style: chr9-135786864-T-C.
Other names: c.1005A>G, p.Thr335= (NM_001162426.2); c.852A>G, p.Thr284= (NM_001162427.2); c.642A>G, p.Thr214= (NM_001362177.2).
Identifiers: ClinVar variation 795576 (VCV000795576.14), dbSNP rs753091213, ClinGen allele CA026684.

ClinVar aggregate classification (germline): Benign/Likely benign. Review status: criteria provided, multiple submitters, no conflicts (2 of 4 stars). 5 submissions from 5 submitters: Benign (1); Likely benign (4). Last evaluated 2025-04-09.

Conditions:
Tuberous sclerosis syndrome (TSC). Also called: Tuberous sclerosis; Tuberous Sclerosis Complex. Identifiers: Orphanet 805, MedGen C0041341, MONDO:0001734.
Tuberous sclerosis 1 (TSC1). Identifiers: Orphanet 805, MedGen C1854465, MONDO:0008612, OMIM 191100.
Hereditary cancer-predisposing syndrome. Also called: Neoplastic Syndromes, Hereditary; Hereditary Cancer Syndrome; Tumor predisposition; Hereditary neoplastic syndrome. Identifiers: Orphanet 140162, MedGen C0027672, MeSH D009386, MONDO:0015356.

Allele frequency attached by ClinVar (database versions not stated): gnomAD exomes below 0.00001; ExAC 0.00001.
gnomAD v4.1: 1 of 1,613,472 alleles (0.000062%); highest among the groups gnomAD compares: African/African-American, 0.0013%; no homozygotes.

Submissions (5):

Myriad Genetics, Inc.
Classification: Benign for Tuberous sclerosis 1. Last evaluated: 2025-04-09. Review status: criteria provided, single submitter. Criteria: Myriad Autosomal Dominant, Autosomal Recessive and X-Linked Classification Criteria (2023). Collection method: clinical testing. Allele origin: unknown.
Comment: This variant is considered benign. This variant is a silent/synonymous amino acid change and it is not expected to impact splicing.

Labcorp Genetics (formerly Invitae), Labcorp
Classification: Likely benign for Tuberous sclerosis 1. Last evaluated: 2023-11-21. Review status: criteria provided, single submitter. Criteria: Invitae Variant Classification Sherloc (09022015). Collection method: clinical testing. Allele origin: germline.

Ambry Genetics
Classification: Likely benign for Hereditary cancer-predisposing syndrome. Last evaluated: 2023-08-25. Review status: criteria provided, single submitter. Criteria: Ambry Variant Classification Scheme 2023. Collection method: clinical testing. Allele origin: germline.

All of Us Research Program, National Institutes of Health
Classification: Likely benign for Tuberous sclerosis syndrome. Last evaluated: 2023-06-08. Review status: criteria provided, single submitter. Criteria: ACMG Guidelines, 2015. Collection method: clinical testing. Allele origin: germline. Inheritance: Autosomal dominant inheritance. Observed: 1 variant allele, 1 heterozygote.
Comment: This study involves interpretation of variants in research participants for the purpose of population health screening. Participant phenotype was not available at the time of variant classification. Additional details can be found in publication PMID: 35346344, PMCID: PMC8962531

Color Diagnostics, LLC DBA Color Health
Classification: Likely benign for Tuberous sclerosis syndrome. Last evaluated: 2022-05-26. Review status: criteria provided, single submitter. Criteria: ACMG Guidelines, 2015. Collection method: clinical testing. Allele origin: germline.